The following is an entry in ClinVar:

ClinVar aggregate classification (germline): Pathogenic (1 of 4 stars; one submission).

Conditions:
Sneddon syndrome (SNDNS). Also called: Idiopathic livedo reticularis with systemic involvement; LIVEDO RETICULARIS AND CEREBROVASCULAR ACCIDENTS. Identifiers: Orphanet 820, MedGen C0282492, MONDO:0008436, OMIM 182410.

Submission:

Baylor Genetics
Classification: Pathogenic for Sneddon syndrome. Last evaluated: 2018-04-14. Review status: criteria provided, single submitter. Criteria: ACMG Guidelines, 2015. Collection method: clinical testing. Allele origin: paternal. Affected: yes.
Comment: This variant was determined to be pathogenic according to ACMG Guidelines, 2015 [PMID:25741868].

NM_001282225.2(ADA2):c.1040del (p.Asp347fs)

Gene: ADA2 (adenosine deaminase 2; minus strand). Cytogenetic location: 22q11.1.
Variant type: Deletion.
Coding change: c.1040del on transcript NM_001282225.2 (MANE Select); coding-DNA position 1040, one base deleted (A; older notation c.1040delA).
Protein change: p.Asp347fs; shifts the reading frame from aspartic acid 347.
Molecular consequence: frameshift variant.
Genome position (GRCh38, 1-based): chr22:17,188,380, T deleted on the plus strand (A on the coding strand, the reverse complement: ADA2 is on the minus strand). VCF-style (leftmost placement, unchanged base first): chr22-17188379-AT-A. GRCh37 (hg19) VCF-style: chr22-17669269-AT-A.
Other names: c.1040del, p.Asp347fs (NM_001282226.2); c.914del, p.Asp305fs (NM_001282227.2, NM_001282228.2); c.680del, p.Asp227fs (NM_001282229.2); c.317del, p.Asp106fs (NM_177405.3); short protein forms D347fs, D106fs, D227fs, D305fs.
Identifiers: ClinVar variation 1033820 (VCV001033820.1), dbSNP rs2062064773, ClinGen allele CA2394967232.
Genomic context (GRCh38, chr22:17,188,379, plus strand): 5'-CTCGCATCCCGCAGGCTCACCTGTTTCTCCGGCGTGGAAGAAGTAAGGCAGCTTAACGCC[AT>A]CCTTGGCGGGGATCATCAGAGCTTCCTTGTAGTCATGCAAGGAGTGGCCAGTGTCCTCAT-3'